The following is an entry in ClinVar:

ClinVar aggregate classification (germline): Uncertain significance. Review status: criteria provided, single submitter (1 of 4 stars). 2 submissions from 2 submitters: Uncertain significance (1). 1 of the submissions does not count toward it. Last evaluated 2025-08-31.

Conditions:
CCDC141-related disorder. Also called: CCDC141-related condition.

gnomAD v4.1: 27 of 1,427,950 alleles (0.0019%); highest among the groups gnomAD compares: African/African-American, 0.039%; no homozygotes.

Submissions (2):

Ambry Genetics
Classification: Uncertain significance. Last evaluated: 2025-08-31. Review status: criteria provided, single submitter. Criteria: Ambry Variant Classification Scheme 2023. Collection method: clinical testing. Allele origin: germline.

PreventionGenetics, part of Exact Sciences
Classification: Uncertain significance for CCDC141-related condition. Last evaluated: 2024-08-30. Review status: no assertion criteria provided. Collection method: clinical testing. Allele origin: germline. Not counted in ClinVar's aggregate classification.
Comment: The CCDC141 c.1420A>G variant is predicted to result in the amino acid substitution p.Ile474Val. To our knowledge, this variant has not been reported in the literature. This variant is reported in 0.043% of alleles in individuals of African descent in gnomAD. At this time, the clinical significance of this variant is uncertain due to the absence of conclusive functional and genetic evidence.

NM_173648.4(CCDC141):c.1420A>G (p.Ile474Val)

Gene: CCDC141 (coiled-coil domain containing 141; minus strand). Cytogenetic location: 2q31.2.
Variant type: single nucleotide variant.
Coding change: c.1420A>G on transcript NM_173648.4 (MANE Select); coding-DNA position 1420, A replaced by G.
Protein change: p.Ile474Val; replaces isoleucine 474 with valine.
Molecular consequence: missense variant.
Genome position (GRCh38, 1-based): chr2:178,886,859, T>C on the plus strand (A>G on the coding strand, the complement: CCDC141 is on the minus strand). VCF-style: chr2-178886859-T-C. GRCh37 (hg19) VCF-style: chr2-179751586-T-C.
Other names: c.1420A>G, p.Ile474Val (NM_001316745.2); short protein forms I474V.
Identifiers: ClinVar variation 3352422 (VCV003352422.2).